The following is an entry in ClinVar:

NM_058216.3(RAD51C):c.133G>T (p.Glu45Ter)

Gene: RAD51C (RAD51 paralog C; plus strand). Cytogenetic location: 17q22.
Variant type: single nucleotide variant.
Coding change: c.133G>T on transcript NM_058216.3 (MANE Select); coding-DNA position 133, G replaced by T.
Protein change: p.Glu45Ter; replaces glutamic acid 45 with a stop codon.
Molecular consequence: nonsense. On other transcripts: non-coding transcript variant (1).
Genome position (GRCh38, 1-based): chr17:58,692,776, G>T. VCF-style: chr17-58692776-G-T. GRCh37 (hg19) VCF-style: chr17-56770137-G-T.
Other names: c.133G>T, p.Glu45Ter (NM_002876.4); short protein forms E45*.
Identifiers: ClinVar variation 818891 (VCV000818891.12), dbSNP rs1598449660, ClinGen allele CA400337730.

ClinVar aggregate classification (germline): Pathogenic/Likely pathogenic. Review status: criteria provided, multiple submitters, no conflicts (2 of 4 stars). 4 submissions from 4 submitters: Pathogenic (3); Likely pathogenic (1). Last evaluated 2024-01-02.

Conditions:
Fanconi anemia complementation group O. Also called: RAD51C-Related Fanconi Anemia. Identifiers: Orphanet 84, MedGen C3150653, MONDO:0013248, OMIM 613390.
Hereditary breast ovarian cancer syndrome. Also called: Hereditary breast and ovarian cancer syndrome (HBOC); Hereditary breast and ovarian cancer syndrome; Breast and ovarian cancer; Hereditary breast and/or ovarian cancer syndrome; BRCA1- and BRCA2-Associated Hereditary Breast and Ovarian Cancer; Hereditary breast and ovarian cancer. Identifiers: Orphanet 145, MedGen C0677776, MeSH D061325, MONDO:0003582. Disease mechanism: loss of function.
Breast-ovarian cancer, familial, susceptibility to, 3. Also called: RAD51C-Related Breast/Ovarian Cancer. Identifiers: Orphanet 145, MedGen C3150659, MONDO:0013253, OMIM 613399.
Hereditary cancer-predisposing syndrome. Also called: Hereditary Cancer Syndrome; Neoplastic Syndromes, Hereditary; Hereditary neoplastic syndrome; Tumor predisposition. Identifiers: Orphanet 140162, MedGen C0027672, MeSH D009386, MONDO:0015356.

Submissions (4):

Myriad Genetics, Inc.
Classification: Pathogenic for Breast-ovarian cancer, familial, susceptibility to, 3. Last evaluated: 2024-01-02. Review status: criteria provided, single submitter. Criteria: Myriad Autosomal Dominant, Autosomal Recessive and X-Linked Classification Criteria (2023). Collection method: clinical testing. Allele origin: unknown.
Comment: This variant is considered pathogenic. This variant creates a termination codon and is predicted to result in premature protein truncation.

Ambry Genetics
Classification: Pathogenic for Hereditary cancer-predisposing syndrome. Last evaluated: 2022-01-14. Review status: criteria provided, single submitter. Criteria: Ambry Variant Classification Scheme 2023. Collection method: clinical testing. Allele origin: germline.
Comment: The p.E45* pathogenic mutation (also known as c.133G>T), located in coding exon 1 of the RAD51C gene, results from a G to T substitution at nucleotide position 133. This changes the amino acid from a glutamic acid to a stop codon within coding exon 1. This alteration is expected to result in loss of function by premature protein truncation or nonsense-mediated mRNA decay. As such, this alteration is interpreted as a disease-causing mutation.

Labcorp Genetics (formerly Invitae), Labcorp
Classification: Pathogenic for Fanconi anemia complementation group O. Last evaluated: 2021-10-10. Review status: criteria provided, single submitter. Criteria: Invitae Variant Classification Sherloc (09022015). Collection method: clinical testing. Allele origin: germline.
Comment: ClinVar contains an entry for this variant (Variation ID: 818891). This premature translational stop signal has been observed in individual(s) with breast cancer (PMID: 32566746). This variant is not present in population databases (ExAC no frequency). This sequence change creates a premature translational stop signal (p.Glu45*) in the RAD51C gene. It is expected to result in an absent or disrupted protein product. Loss-of-function variants in RAD51C are known to be pathogenic (PMID: 20400964, 21990120, 24800917). For these reasons, this variant has been classified as Pathogenic.

Cancer Genomics Group, Japanese Foundation For Cancer Research
Classification: Likely pathogenic for Hereditary breast and ovarian cancer syndrome. Last evaluated: 2019-05-01. Review status: criteria provided, single submitter. Criteria: ACMG Guidelines, 2015. Collection method: research. Allele origin: germline. Affected: yes.

Literature cited by the submitters: PubMed 32566746 (cited by Ambry Genetics and Labcorp Genetics (formerly Invitae), Labcorp); PubMed 20400964 (cited by Labcorp Genetics (formerly Invitae), Labcorp); PubMed 21990120 (cited by Labcorp Genetics (formerly Invitae), Labcorp); PubMed 24800917 (cited by Labcorp Genetics (formerly Invitae), Labcorp).